The following is an entry in ClinVar:

NM_032043.3(BRIP1):c.1666T>C (p.Tyr556His)

Gene: BRIP1 (BRCA1 interacting DNA helicase 1; minus strand). Cytogenetic location: 17q23.2.
Variant type: single nucleotide variant.
Coding change: c.1666T>C on transcript NM_032043.3 (MANE Select); coding-DNA position 1666, T replaced by C.
Protein change: p.Tyr556His; replaces tyrosine 556 with histidine.
Molecular consequence: missense variant.
Genome position (GRCh38, 1-based): chr17:61,780,968, A>G on the plus strand (T>C on the coding strand, the complement: BRIP1 is on the minus strand). VCF-style: chr17-61780968-A-G. GRCh37 (hg19) VCF-style: chr17-59858329-A-G.
Other names: short protein forms Y556H.
Identifiers: ClinVar variation 819773 (VCV000819773.19), dbSNP rs752797989, ClinGen allele CA8690689.

ClinVar aggregate classification (germline): Uncertain significance. Review status: criteria provided, multiple submitters, no conflicts (2 of 4 stars). 3 submissions from 3 submitters: Uncertain significance (3). Last evaluated 2025-07-07.

Conditions:
Familial cancer of breast. Also called: Hereditary breast cancer; hereditary breast carcinoma; BREAST CANCER, FAMILIAL. Identifiers: Orphanet 227535, MedGen C0346153, MONDO:0016419, OMIM 114480. Disease mechanism: loss of function.
Fanconi anemia complementation group J. Also called: BRIP1-Related Fanconi Anemia. Identifiers: Orphanet 84, MedGen C1836860, MONDO:0012187, OMIM 609054.
Hereditary cancer-predisposing syndrome. Also called: Hereditary Cancer Syndrome; Neoplastic Syndromes, Hereditary; Hereditary neoplastic syndrome; Tumor predisposition. Identifiers: Orphanet 140162, MedGen C0027672, MeSH D009386, MONDO:0015356.

Allele frequency attached by ClinVar (database versions not stated): gnomAD exomes below 0.00001; ExAC 0.00001.

Submissions (3):

Labcorp Genetics (formerly Invitae), Labcorp
Classification: Uncertain significance for Familial cancer of breast; Fanconi anemia complementation group J. Last evaluated: 2025-07-07. Review status: criteria provided, single submitter. Criteria: Invitae Variant Classification Sherloc (09022015). Collection method: clinical testing. Allele origin: germline.
Comment: This sequence change replaces tyrosine, which is neutral and polar, with histidine, which is basic and polar, at codon 556 of the BRIP1 protein (p.Tyr556His). This variant is present in population databases (rs752797989, gnomAD 0.006%). This variant has not been reported in the literature in individuals affected with BRIP1-related conditions. ClinVar contains an entry for this variant (Variation ID: 819773). Invitae Evidence Modeling of protein sequence and biophysical properties (such as structural, functional, and spatial information, amino acid conservation, physicochemical variation, residue mobility, and thermodynamic stability) has been performed for this missense variant. However, the output from this modeling did not meet the statistical confidence thresholds required to predict the impact of this variant on BRIP1 protein function. In summary, the available evidence is currently insufficient to determine the role of this variant in disease. Therefore, it has been classified as a Variant of Uncertain Significance.

Color Diagnostics, LLC DBA Color Health
Classification: Uncertain significance for Hereditary cancer-predisposing syndrome. Last evaluated: 2024-03-06. Review status: criteria provided, single submitter. Criteria: ACMG Guidelines, 2015. Collection method: clinical testing. Allele origin: germline.
Comment: This missense variant replaces tyrosine with histidine at codon 556 of the BRIP1 protein. Computational prediction tool is inconclusive regarding the impact of this variant on protein structure and function (internally defined REVEL score threshold 0.5 < inconclusive < 0.7, PMID: 27666373). Splice site prediction tools suggest that this variant may not impact RNA splicing. To our knowledge, functional studies have not been performed for this variant. This variant has not been reported in individuals affected with hereditary cancer in the literature. This variant has been identified in 1/251342 chromosomes in the general population by the Genome Aggregation Database (gnomAD). The available evidence is insufficient to determine the role of this variant in disease conclusively. Therefore, this variant is classified as a Variant of Uncertain Significance.

Ambry Genetics
Classification: Uncertain significance for Hereditary cancer-predisposing syndrome. Last evaluated: 2023-01-14. Review status: criteria provided, single submitter. Criteria: Ambry Variant Classification Scheme 2023. Collection method: clinical testing. Allele origin: germline.
Comment: The p.Y556H variant (also known as c.1666T>C), located in coding exon 11 of the BRIP1 gene, results from a T to C substitution at nucleotide position 1666. The tyrosine at codon 556 is replaced by histidine, an amino acid with similar properties. This amino acid position is highly conserved in available vertebrate species. In addition, the in silico prediction for this alteration is inconclusive. Since supporting evidence is limited at this time, the clinical significance of this alteration remains unclear.